The following is an entry in ClinVar:

ClinVar aggregate classification (germline): Uncertain significance (1 of 4 stars; one submission).

Submission:

Labcorp Genetics (formerly Invitae), Labcorp
Classification: Uncertain significance. Last evaluated: 2021-04-05. Review status: criteria provided, single submitter. Criteria: Invitae Variant Classification Sherloc (09022015). Collection method: clinical testing. Allele origin: germline.
Comment: This sequence change falls in intron 14 of the LAMC3 gene. It does not directly change the encoded amino acid sequence of the LAMC3 protein. It affects a nucleotide within the consensus splice site of the intron. This variant is not present in population databases (ExAC no frequency). This variant has not been reported in the literature in individuals with LAMC3-related conditions. Nucleotide substitutions within the consensus splice site are a relatively common cause of aberrant splicing (PMID: 17576681, 9536098). Algorithms developed to predict the effect of sequence changes on RNA splicing suggest that this variant may disrupt the consensus splice site, but this prediction has not been confirmed by published transcriptional studies. In summary, the available evidence is currently insufficient to determine the role of this variant in disease. Therefore, it has been classified as a Variant of Uncertain Significance.

Literature cited by the submitters: PubMed 17576681; PubMed 9536098.

NM_006059.4(LAMC3):c.2593+5G>A

Gene: LAMC3 (laminin subunit gamma 3; plus strand). Cytogenetic location: 9q34.12.
Variant type: single nucleotide variant.
Coding change: c.2593+5G>A on transcript NM_006059.4 (MANE Select); 5 bases into the intron after coding-DNA position 2593, G replaced by A.
Molecular consequence: intron variant.
Genome position (GRCh38, 1-based): chr9:131,067,210, G>A. VCF-style: chr9-131067210-G-A. GRCh37 (hg19) VCF-style: chr9-133942597-G-A.
Identifiers: ClinVar variation 1443744 (VCV001443744.3), dbSNP rs2133313127, ClinGen allele CA2573144093.